The following is an entry in ClinVar:

ClinVar aggregate classification (germline): Uncertain significance (1 of 4 stars; one submission).

Allele frequency attached by ClinVar (database versions not stated): gnomAD exomes below 0.00001.
gnomAD v4.1: 1 of 1,606,220 alleles (0.000062%); highest among the groups gnomAD compares: Non-Finnish European, 0.000085%; no homozygotes.

Submission:

Labcorp Genetics (formerly Invitae), Labcorp
Classification: Uncertain significance. Last evaluated: 2022-02-27. Review status: criteria provided, single submitter. Criteria: Invitae Variant Classification Sherloc (09022015). Collection method: clinical testing. Allele origin: germline.
Comment: This sequence change replaces glycine, which is neutral and non-polar, with glutamic acid, which is acidic and polar, at codon 152 of the GABRA2 protein (p.Gly152Glu). This variant is not present in population databases (gnomAD no frequency). This variant has not been reported in the literature in individuals affected with GABRA2-related conditions. Algorithms developed to predict the effect of missense changes on protein structure and function are either unavailable or do not agree on the potential impact of this missense change (SIFT: "Not Available"; PolyPhen-2: "Probably Damaging"; Align-GVGD: "Not Available"). In summary, the available evidence is currently insufficient to determine the role of this variant in disease. Therefore, it has been classified as a Variant of Uncertain Significance.

NM_000807.4(GABRA2):c.455G>A (p.Gly152Glu)

Gene: GABRA2 (gamma-aminobutyric acid type A receptor subunit alpha2; minus strand). Cytogenetic location: 4p12.
Variant type: single nucleotide variant.
Coding change: c.455G>A on transcript NM_000807.4 (MANE Select); coding-DNA position 455, G replaced by A.
Protein change: p.Gly152Glu; replaces glycine 152 with glutamic acid.
Molecular consequence: missense variant.
Genome position (GRCh38, 1-based): chr4:46,312,517, C>T on the plus strand (G>A on the coding strand, the complement: GABRA2 is on the minus strand). VCF-style: chr4-46312517-C-T. GRCh37 (hg19) VCF-style: chr4-46314534-C-T.
Other names: c.455G>A, p.Gly152Glu (NM_001114175.3, NM_001330690.2, NM_001377144.1 and 8 more transcripts); c.290G>A, p.Gly97Glu (NM_001286827.3, NM_001377152.1, NM_001377153.1 and 1 more transcripts); short protein forms G97E, G152E.
Identifiers: ClinVar variation 2104111 (VCV002104111.4), dbSNP rs2475692008, ClinGen allele CA356799735.
Genomic context (GRCh38, chr4:46,312,517, plus strand): 5'-TCAGTATATAAATACATCACATCAAACCTAAAAACATACCTCATGGTATACAGCAGAGTC[C>T]CATCATCCTGAATTCGAAGCAACTTATTTGGCATTGTCATATTATGAGCTACTGATTTTT-3'
Protein context (NP_000798.2, residues 142-162): PNKLLRIQDD[Gly152Glu]TLLYTMRLTV